The following is an entry in ClinVar:

ClinVar aggregate classification (germline): Uncertain significance (1 of 4 stars; one submission).

Conditions:
Hypertrophic cardiomyopathy. Also called: HYPERTROPHIC MYOCARDIOPATHY. Identifiers: Orphanet 217569, MedGen C0007194, MeSH D002312, MONDO:0005045, HP:0001639.

Submission:

Labcorp Genetics (formerly Invitae), Labcorp
Classification: Uncertain significance for Hypertrophic cardiomyopathy. Last evaluated: 2023-11-01. Review status: criteria provided, single submitter. Criteria: Invitae Variant Classification Sherloc (09022015). Collection method: clinical testing. Allele origin: germline.
Comment: This sequence change replaces threonine, which is neutral and polar, with proline, which is neutral and non-polar, at codon 255 of the MYBPC3 protein (p.Thr255Pro). This variant is not present in population databases (gnomAD no frequency). This missense change has been observed in individual(s) with hypertrophic cardiomyopathy (Invitae). An algorithm developed to predict the effect of missense changes on protein structure and function (PolyPhen-2) suggests that this variant is likely to be disruptive. In summary, the available evidence is currently insufficient to determine the role of this variant in disease. Therefore, it has been classified as a Variant of Uncertain Significance.

NM_000256.3(MYBPC3):c.763A>C (p.Thr255Pro)

Gene: MYBPC3 (myosin binding protein C3; minus strand). Cytogenetic location: 11p11.2.
Variant type: single nucleotide variant.
Coding change: c.763A>C on transcript NM_000256.3 (MANE Select); coding-DNA position 763, A replaced by C.
Protein change: p.Thr255Pro; replaces threonine 255 with proline.
Molecular consequence: missense variant.
Genome position (GRCh38, 1-based): chr11:47,348,433, T>G on the plus strand (A>C on the coding strand, the complement: MYBPC3 is on the minus strand). VCF-style: chr11-47348433-T-G. GRCh37 (hg19) VCF-style: chr11-47369984-T-G.
Other names: short protein forms T255P.
Identifiers: ClinVar variation 2716606 (VCV002716606.3), dbSNP rs2495776678, ClinGen allele CA380334247.
Genomic context (GRCh38, chr11:47,348,433, plus strand): 5'-CCAGGACCCATGGGGAGCCCGAGCCCAGGACAGACACCAGGGCCCCCTCACCGTGGACAG[T>G]GAGATTGAAGTTGGAGCAGTCAAATTTGTCCTTGGTGGACACCTCACAGCGGTAGCTGCC-3'
Protein context (NP_000247.2, residues 245-265): DKFDCSNFNL[Thr255Pro]VHEAMGTGDL